The following is an entry in ClinVar:

NM_021098.3(CACNA1H):c.1210A>G (p.Ile404Val)

Gene: CACNA1H (calcium voltage-gated channel subunit alpha1 H; plus strand). Cytogenetic location: 16p13.3.
Variant type: single nucleotide variant.
Coding change: c.1210A>G on transcript NM_021098.3 (MANE Select); coding-DNA position 1210, A replaced by G.
Protein change: p.Ile404Val; replaces isoleucine 404 with valine.
Molecular consequence: missense variant.
Genome position (GRCh38, 1-based): chr16:1,200,806, A>G. VCF-style: chr16-1200806-A-G. GRCh37 (hg19) VCF-style: chr16-1250806-A-G.
Other names: c.1210A>G, p.Ile404Val (NM_001005407.2); short protein forms I404V.
Identifiers: ClinVar variation 1427265 (VCV001427265.7), dbSNP rs751513581, ClinGen allele CA7799841.

ClinVar aggregate classification (germline): Uncertain significance. Review status: criteria provided, multiple submitters, no conflicts (2 of 4 stars). 2 submissions from 2 submitters: Uncertain significance (2). Last evaluated 2025-04-22.

Conditions:
Idiopathic generalized epilepsy. Also called: Generalised epilepsy; EIG. Identifiers: MedGen C0270850, MONDO:0005579, OMIM 600669.
Hyperaldosteronism, familial, type IV (HALD4). Also called: FH IV; ALDOSTERONISM, PRIMARY, AND HYPERTENSION. Identifiers: Orphanet 642671, MedGen C4310756, MONDO:0014875, OMIM 617027.
Epilepsy, childhood absence, susceptibility to, 6. Identifiers: Orphanet 64280, MedGen C2749872, MONDO:0012763, OMIM 611942.

Allele frequency attached by ClinVar (database versions not stated): gnomAD 0.00001; gnomAD exomes 0.00003 and 0.00004; TOPMed 0.00003; ExAC 0.00014.
gnomAD v4.1: 47 of 1,550,662 alleles (0.003%); highest among the groups gnomAD compares: Middle Eastern, 0.033%; no homozygotes.

Submissions (2):

Labcorp Genetics (formerly Invitae), Labcorp
Classification: Uncertain significance for Idiopathic generalized epilepsy; Hyperaldosteronism, familial, type IV. Last evaluated: 2025-04-22. Review status: criteria provided, single submitter. Criteria: Invitae Variant Classification Sherloc (09022015). Collection method: clinical testing. Allele origin: germline.
Comment: This sequence change replaces isoleucine, which is neutral and non-polar, with valine, which is neutral and non-polar, at codon 404 of the CACNA1H protein (p.Ile404Val). This variant is present in population databases (rs751513581, gnomAD 0.03%). This variant has not been reported in the literature in individuals affected with CACNA1H-related conditions. ClinVar contains an entry for this variant (Variation ID: 1427265). An algorithm developed to predict the effect of missense changes on protein structure and function (PolyPhen-2) suggests that this variant is likely to be disruptive. In summary, the available evidence is currently insufficient to determine the role of this variant in disease. Therefore, it has been classified as a Variant of Uncertain Significance.

Fulgent Genetics
Classification: Uncertain significance for Epilepsy, childhood absence, susceptibility to, 6; Hyperaldosteronism, familial, type IV. Last evaluated: 2024-04-05. Review status: criteria provided, single submitter. Criteria: ACMG Guidelines, 2015. Collection method: clinical testing. Allele origin: germline.